The following is an entry in ClinVar:

ClinVar aggregate classification (germline): Uncertain significance (1 of 4 stars; one submission).

Conditions:
Intellectual disability, autosomal recessive 53 (NEDHSCA). Also called: GLYCOSYLPHOSPHATIDYLINOSITOL BIOSYNTHESIS DEFECT 13; Mental retardation, autosomal recessive 53; NEURODEVELOPMENTAL DISORDER WITH OR WITHOUT HYPOTONIA, SEIZURES, AND CEREBELLAR ATROPHY. Identifiers: Orphanet 488635, MedGen C4310794, MONDO:0014832, OMIM 616917.

Allele frequency attached by ClinVar (database versions not stated): TOPMed below 0.00001; gnomAD 0.00001.
gnomAD v4.1: 1 of 1,584,906 alleles (0.000063%); highest among the groups gnomAD compares: Non-Finnish European, 0.000086%; no homozygotes.

Submission:

Labcorp Genetics (formerly Invitae), Labcorp
Classification: Uncertain significance for Intellectual disability, autosomal recessive 53. Last evaluated: 2021-08-11. Review status: criteria provided, single submitter. Criteria: Invitae Variant Classification Sherloc (09022015). Collection method: clinical testing. Allele origin: germline.
Comment: In summary, the available evidence is currently insufficient to determine the role of this variant in disease. Therefore, it has been classified as a Variant of Uncertain Significance. Algorithms developed to predict the effect of missense changes on protein structure and function output the following: SIFT: "Tolerated"; PolyPhen-2: "Benign"; Align-GVGD: "Class C0". The arginine amino acid residue is found in multiple mammalian species, which suggests that this missense change does not adversely affect protein function. This variant has not been reported in the literature in individuals affected with PIGG-related conditions. This variant is not present in population databases (ExAC no frequency). This sequence change replaces lysine with arginine at codon 754 of the PIGG protein (p.Lys754Arg). The lysine residue is moderately conserved and there is a small physicochemical difference between lysine and arginine.

NM_001127178.3(PIGG):c.2261A>G (p.Lys754Arg)

Gene: PIGG (phosphatidylinositol glycan anchor biosynthesis class G (EMM blood group); plus strand). Cytogenetic location: 4p16.3.
Variant type: single nucleotide variant.
Coding change: c.2261A>G on transcript NM_001127178.3 (MANE Select); coding-DNA position 2261, A replaced by G.
Protein change: p.Lys754Arg; replaces lysine 754 with arginine.
Molecular consequence: missense variant. On other transcripts: non-coding transcript variant (10).
Genome position (GRCh38, 1-based): chr4:527,230, A>G. VCF-style: chr4-527230-A-G. GRCh37 (hg19) VCF-style: chr4-521019-A-G.
Other names: c.1994A>G, p.Lys665Arg (NM_001289051.2, NM_001345986.2); c.1862A>G, p.Lys621Arg (NM_001289052.2); c.1970A>G, p.Lys657Arg (NM_001345987.2); c.1232A>G, p.Lys411Arg (NM_001345988.2); c.728A>G, p.Lys243Arg (NM_001345990.2, NM_001345991.2); c.1163A>G, p.Lys388Arg (NM_001345994.2); c.2237A>G, p.Lys746Arg (NM_017733.5); short protein forms K243R, K411R, K754R, K657R, K388R, K621R, K746R, K665R.
Identifiers: ClinVar variation 1461283 (VCV001461283.6), dbSNP rs1460635221, ClinGen allele CA355909232.
Genomic context (GRCh38, chr4:527,230, plus strand): 5'-ACCGGGCGGCCATCGGGAGTGTCCGGTTCCCGTGGCGGCCGGACAGCAAGGACATTTCCA[A>G]GTAAGTGCGTGGCGGACACGGGGTGCATAGAGCCACTTTACTGTTTGAAGAACTGGCGGA-3'
Protein context (NP_001120650.1, residues 744-764): PWRPDSKDIS[Lys754Arg]GIIEARFVYV